The following is an entry in ClinVar:

NM_001903.5(CTNNA1):c.2409C>T (p.Leu803=)

Gene: CTNNA1 (catenin alpha 1; plus strand). Cytogenetic location: 5q31.2.
Variant type: single nucleotide variant.
Coding change: c.2409C>T on transcript NM_001903.5 (MANE Select); coding-DNA position 2409, C replaced by T.
Protein change: p.Leu803=; no amino-acid change (leucine 803 retained).
Molecular consequence: synonymous variant. On other transcripts: intron variant (1).
Genome position (GRCh38, 1-based): chr5:138,932,688, C>T. VCF-style: chr5-138932688-C-T. GRCh37 (hg19) VCF-style: chr5-138268377-C-T.
Other names: c.2409C>T (NM_001903.4); c.2409C>T, p.Leu803= (NM_001290307.3, NM_001323982.2, NM_001323983.1 and 2 more transcripts); c.2100C>T, p.Leu700= (NM_001290309.3); c.2040C>T, p.Leu680= (NM_001290310.3); c.1299C>T, p.Leu433= (NM_001290312.1, NM_001323987.1, NM_001323988.1 and 16 more transcripts); c.2316C>T, p.Leu772= (NM_001323986.2); c.960C>T, p.Leu320= (NM_001324006.1, NM_001324007.1, NM_001324008.1 and 2 more transcripts); c.1206C>T, p.Leu402= (NM_001324011.1); and 2 more.
Identifiers: ClinVar variation 701843 (VCV000701843.22), dbSNP rs367913042, ClinGen allele CA128223992.

ClinVar aggregate classification (germline): Benign/Likely benign. Review status: criteria provided, multiple submitters, no conflicts (2 of 4 stars). 5 submissions from 5 submitters: Benign (1); Likely benign (3). 1 of the submissions does not count toward it. Last evaluated 2025-12-22.

Conditions:
CTNNA1-related disorder. Also called: CTNNA1-related condition.
Hereditary cancer-predisposing syndrome. Also called: Neoplastic Syndromes, Hereditary; Tumor predisposition; Hereditary neoplastic syndrome; Hereditary Cancer Syndrome. Identifiers: Orphanet 140162, MedGen C0027672, MeSH D009386, MONDO:0015356.
Hereditary diffuse gastric adenocarcinoma (HDGC). Also called: DIFFUSE GASTRIC AND LOBULAR BREAST CANCER SYNDROME. Identifiers: Orphanet 26106, MedGen C1708349, MONDO:0007648, OMIM 137215.

Allele frequency attached by ClinVar (database versions not stated): gnomAD 0.00001; gnomAD exomes 0.00001; TOPMed 0.00004; ESP Exome Variant Server 0.00008.
gnomAD v4.1: 15 of 1,614,018 alleles (0.00093%); highest among the groups gnomAD compares: East Asian, 0.016%; no homozygotes.

Submissions (5):

Labcorp Genetics (formerly Invitae), Labcorp
Classification: Likely benign. Last evaluated: 2025-12-22. Review status: criteria provided, single submitter. Criteria: Invitae Variant Classification Sherloc (09022015). Collection method: clinical testing. Allele origin: germline.

CeGaT Center for Human Genetics Tuebingen
Classification: Likely benign. Last evaluated: 2025-02-01. Review status: criteria provided, single submitter. Criteria: CeGaT Center For Human Genetics Tuebingen Variant Classification Criteria Version 2. Collection method: clinical testing. Allele origin: germline. Affected: yes. Observed: 1 variant allele.
Comment: CTNNA1: BP4, BP7

Myriad Genetics, Inc.
Classification: Benign for Hereditary diffuse gastric adenocarcinoma. Last evaluated: 2024-10-15. Review status: criteria provided, single submitter. Criteria: Myriad Autosomal Dominant, Autosomal Recessive and X-Linked Classification Criteria (2023). Collection method: clinical testing. Allele origin: unknown.
Comment: This variant is considered benign. This variant is a silent/synonymous amino acid change and it is not expected to impact splicing.

Ambry Genetics
Classification: Likely benign for Hereditary cancer-predisposing syndrome. Last evaluated: 2020-07-16. Review status: criteria provided, single submitter. Criteria: Ambry Variant Classification Scheme 2023. Collection method: clinical testing. Allele origin: germline.

PreventionGenetics, part of Exact Sciences
Classification: Likely benign for CTNNA1-related condition. Last evaluated: 2022-10-05. Review status: no assertion criteria provided. Collection method: clinical testing. Allele origin: germline. Not counted in ClinVar's aggregate classification.
Comment: This variant is classified as likely benign based on ACMG/AMP sequence variant interpretation guidelines (Richards et al. 2015 PMID: 25741868, with internal and published modifications).